The following is an entry in ClinVar:

NM_001061.7(TBXAS1):c.357G>A (p.Ser119=)

Gene: TBXAS1 (thromboxane A synthase 1; plus strand). Cytogenetic location: 7q34.
Variant type: single nucleotide variant.
Coding change: c.357G>A on transcript NM_001061.7 (MANE Select); coding-DNA position 357, G replaced by A.
Protein change: p.Ser119=; no amino-acid change (serine 119 retained).
Molecular consequence: synonymous variant.
Genome position (GRCh38, 1-based): chr7:139,936,214, G>A. VCF-style: chr7-139936214-G-A. GRCh37 (hg19) VCF-style: chr7-139636013-G-A.
Other names: p.Ser119=; c.357G>A, p.Ser119= (NM_001130966.5, NM_001166253.4, NM_030984.6); c.156G>A, p.Ser52= (NM_001166254.4); c.300G>A, p.Ser100= (NM_001314028.4); c.174G>A, p.Ser58= (NM_001366537.3); c.357G>A (NM_001166253.3).
Identifiers: ClinVar variation 499773 (VCV000499773.42), dbSNP rs41275018, ClinGen allele CA4511610.
Genomic context (GRCh38, chr7:139,936,214, plus strand): 5'-CCTGAGTCCTGACCCTCTGCTTGTTACTTCCCAACAGGCGTCGGGTTTGGAGTTCAAGTC[G>A]GTAGCCGACAGCGTTCTGTTTTTACGTGACAAAAGATGGGAAGAGGTCAGAGGTGCCCTG-3'
Protein context (NP_001052.3, residues 109-129): NRMASGLEFK[Ser119=]VADSVLFLRD

ClinVar aggregate classification (germline): Benign/Likely benign. Review status: criteria provided, multiple submitters, no conflicts (2 of 4 stars). 6 submissions from 6 submitters: Benign (4); Likely benign (1). 1 of the submissions does not count toward it. Last evaluated 2026-01-27.

Conditions:
TBXAS1-related disorder. Also called: TBXAS1-related condition.

Allele frequency attached by ClinVar (database versions not stated): 1000 Genomes Project 30x 0.00234; 1000 Genomes Project 0.00240; gnomAD 0.00531 and 0.00538; TOPMed 0.00601; ESP Exome Variant Server 0.00730.
gnomAD v4.1: 12,461 of 1,614,164 alleles (0.77%); highest among the groups gnomAD compares: Non-Finnish European, 0.93%; 58 homozygotes.

Submissions (14):

Labcorp Genetics (formerly Invitae), Labcorp
Classification: Benign. Last evaluated: 2026-01-27. Review status: criteria provided, single submitter. Criteria: Invitae Variant Classification Sherloc (09022015). Collection method: clinical testing. Allele origin: germline.

CeGaT Center for Human Genetics Tuebingen
Classification: Likely benign. Last evaluated: 2025-03-01. Review status: criteria provided, single submitter. Criteria: CeGaT Center For Human Genetics Tuebingen Variant Classification Criteria Version 2. Collection method: clinical testing. Allele origin: germline. Affected: yes. Observed: 4 variant alleles.
Comment: TBXAS1: BP4, BP7, BS2

Mayo Clinic Laboratories, Mayo Clinic
Classification: Benign. Last evaluated: 2024-01-04. Review status: criteria provided, single submitter. Criteria: ACMG Guidelines, 2015. Collection method: clinical testing. Allele origin: germline. Observed: 11 variant alleles.
Comment: BS1, BS2, BP4, BP7

Eurofins Ntd Llc (ga)
Classification: Benign. Last evaluated: 2017-01-25. Review status: criteria provided, single submitter. Criteria: EGL Classification Definitions 2015. Collection method: clinical testing. Allele origin: germline. Observed: 1 variant allele, 1 heterozygote.

Breakthrough Genomics
Classification: Benign. Review status: criteria provided, single submitter. Criteria: ACMG Guidelines, 2015. Collection method: not provided. Allele origin: germline. Inheritance: Autosomal recessive inheritance. Affected: yes.

PreventionGenetics, part of Exact Sciences
Classification: Benign for TBXAS1-related condition. Last evaluated: 2019-02-26. Review status: no assertion criteria provided. Collection method: clinical testing. Allele origin: germline. Not counted in ClinVar's aggregate classification.
Comment: This variant is classified as benign based on ACMG/AMP sequence variant interpretation guidelines (Richards et al. 2015 PMID: 25741868, with internal and published modifications).

Dr. Peter K. Rogan Lab, Western University
No classification provided (evidence only). Condition: Clear cell carcinoma of kidney. Review status: no classification provided. Collection method: in vitro. Allele origin: not applicable. Functional consequence: retained intron. Not counted in ClinVar's aggregate classification.

Dr. Peter K. Rogan Lab, Western University
No classification provided (evidence only). Condition: Lung cancer. Review status: no classification provided. Collection method: in vitro. Allele origin: not applicable. Functional consequence: retained intron. Not counted in ClinVar's aggregate classification.

Dr. Peter K. Rogan Lab, Western University
No classification provided (evidence only). Condition: Colon adenocarcinoma. Review status: no classification provided. Collection method: in vitro. Allele origin: not applicable. Functional consequence: retained intron. Not counted in ClinVar's aggregate classification.

Dr. Peter K. Rogan Lab, Western University
No classification provided (evidence only). Condition: Uterine corpus endometrial carcinoma. Review status: no classification provided. Collection method: in vitro. Allele origin: not applicable. Functional consequence: retained intron. Not counted in ClinVar's aggregate classification.

Dr. Peter K. Rogan Lab, Western University
No classification provided (evidence only). Condition: Cervical cancer. Review status: no classification provided. Collection method: in vitro. Allele origin: not applicable. Functional consequence: retained intron. Not counted in ClinVar's aggregate classification.

Dr. Peter K. Rogan Lab, Western University
No classification provided (evidence only). Condition: Sarcoma. Review status: no classification provided. Collection method: in vitro. Allele origin: not applicable. Functional consequence: retained intron. Not counted in ClinVar's aggregate classification.

Dr. Peter K. Rogan Lab, Western University
No classification provided (evidence only). Condition: Thymoma. Review status: no classification provided. Collection method: in vitro. Allele origin: not applicable. Functional consequence: retained intron. Not counted in ClinVar's aggregate classification.

Dr. Peter K. Rogan Lab, Western University
No classification provided (evidence only). Condition: Malignant tumor of esophagus. Review status: no classification provided. Collection method: in vitro. Allele origin: not applicable. Functional consequence: retained intron. Not counted in ClinVar's aggregate classification.